The following is an entry in ClinVar:

NM_020975.6(RET):c.2731-20T>C

Gene: RET (ret proto-oncogene; plus strand). Cytogenetic location: 10q11.21.
Variant type: single nucleotide variant.
Coding change: c.2731-20T>C on transcript NM_020975.6 (MANE Select); 20 bases into the intron before coding-DNA position 2731, T replaced by C.
Molecular consequence: intron variant.
Genome position (GRCh38, 1-based): chr10:43,121,926, T>C. VCF-style: chr10-43121926-T-C. GRCh37 (hg19) VCF-style: chr10-43617374-T-C.
Other names: c.2731-20T>C (NM_020630.7, NM_001406743.1, NM_001406744.1 and 2 more transcripts); c.2596-20T>C (NM_001406765.1, NM_001406763.1); c.2335-20T>C (NM_001406772.1, NM_001406769.1); c.2293-20T>C (NM_001406773.1, NM_001406771.1); c.1834-20T>C (NM_001406782.1, NM_001406780.1, NM_001406779.1 and 1 more transcripts); c.1699-20T>C (NM_001406787.1); c.1714-20T>C (NM_001406785.1); c.2602-20T>C (NM_001406764.1, NM_001406762.1, NM_001406761.1); and 10 more.
Identifiers: ClinVar variation 1585029 (VCV001585029.11), dbSNP rs571552488, ClinGen allele CA206267150.

ClinVar aggregate classification (germline): Likely benign. Review status: criteria provided, multiple submitters, no conflicts (2 of 4 stars). 3 submissions from 3 submitters: Likely benign (3). Last evaluated 2025-02-27.

Conditions:
Multiple endocrine neoplasia, type 2 (MEN2). Identifiers: Orphanet 653, MedGen C4048306, MONDO:0019003. Disease mechanism: gain of function.
Multiple endocrine neoplasia type 2A. Also called: Multiple Endocrine Neoplasia Type 2A (MEN2A); MULTIPLE ENDOCRINE NEOPLASIA, TYPE IIA; PTC SYNDROME; SIPPLE SYNDROME; MEN 2A; MEN-2A syndrome. Identifiers: Orphanet 247698, Orphanet 653, MedGen C0025268, MeSH D018813, MONDO:0008234, OMIM 171400.

Allele frequency attached by ClinVar (database versions not stated): gnomAD exomes below 0.00001 and 0.00001.

Submissions (3):

Myriad Genetics, Inc.
Classification: Likely benign for Multiple endocrine neoplasia type 2A. Last evaluated: 2025-02-27. Review status: criteria provided, single submitter. Criteria: Myriad Autosomal Dominant, Autosomal Recessive and X-Linked Classification Criteria (2023). Collection method: clinical testing. Allele origin: unknown.
Comment: This variant is considered likely benign. This variant is intronic and is not expected to impact mRNA splicing.

Blueprint Genetics
Classification: Likely benign. Last evaluated: 2024-11-15. Review status: criteria provided, single submitter. Criteria: ACMG Guidelines, 2015. Collection method: clinical testing. Allele origin: germline.

Labcorp Genetics (formerly Invitae), Labcorp
Classification: Likely benign for Multiple endocrine neoplasia, type 2. Last evaluated: 2023-11-16. Review status: criteria provided, single submitter. Criteria: Invitae Variant Classification Sherloc (09022015). Collection method: clinical testing. Allele origin: germline.